The following is an entry in ClinVar:

ClinVar aggregate classification (germline): Uncertain significance (1 of 4 stars; one submission).

gnomAD v4.1: 8 of 1,613,732 alleles (0.0005%); highest among the groups gnomAD compares: Non-Finnish European, 0.00068%; no homozygotes.

Submission:

Labcorp Genetics (formerly Invitae), Labcorp
Classification: Uncertain significance. Last evaluated: 2023-01-20. Review status: criteria provided, single submitter. Criteria: Invitae Variant Classification Sherloc (09022015). Collection method: clinical testing. Allele origin: germline.
Comment: In summary, the available evidence is currently insufficient to determine the role of this variant in disease. Therefore, it has been classified as a Variant of Uncertain Significance. Algorithms developed to predict the effect of missense changes on protein structure and function output the following: SIFT: "Deleterious"; PolyPhen-2: "Possibly Damaging"; Align-GVGD: "Class C0". The tyrosine amino acid residue is found in multiple mammalian species, which suggests that this missense change does not adversely affect protein function. This variant has not been reported in the literature in individuals affected with IL12RB2-related conditions. This variant is not present in population databases (gnomAD no frequency). This sequence change replaces cysteine, which is neutral and slightly polar, with tyrosine, which is neutral and polar, at codon 105 of the IL12RB2 protein (p.Cys105Tyr).

NM_001374259.2(IL12RB2):c.314G>A (p.Cys105Tyr)

Gene: IL12RB2 (interleukin 12 receptor subunit beta 2; plus strand). Cytogenetic location: 1p31.3.
Variant type: single nucleotide variant.
Coding change: c.314G>A on transcript NM_001374259.2 (MANE Select); coding-DNA position 314, G replaced by A.
Protein change: p.Cys105Tyr; replaces cysteine 105 with tyrosine.
Molecular consequence: missense variant. On other transcripts: non-coding transcript variant (2).
Genome position (GRCh38, 1-based): chr1:67,321,839, G>A. VCF-style: chr1-67321839-G-A. GRCh37 (hg19) VCF-style: chr1-67787522-G-A.
Other names: c.314G>A, p.Cys105Tyr (NM_001319233.1, NM_001559.3, NM_001258214.1 and 2 more transcripts); short protein forms C105Y.
Identifiers: ClinVar variation 2775939 (VCV002775939.3), dbSNP rs2525838398, ClinGen allele CA340730845.